The following is an entry in ClinVar:

ClinVar aggregate classification (germline): Uncertain significance (1 of 4 stars; one submission).

Conditions:
Inborn genetic diseases. Identifiers: MedGen C0950123, MeSH D030342.

Submission:

Ambry Genetics
Classification: Uncertain significance for Inborn genetic diseases. Last evaluated: 2025-05-15. Review status: criteria provided, single submitter. Criteria: Ambry Variant Classification Scheme 2023. Collection method: clinical testing. Allele origin: germline.
Comment: The p.S608R variant (also known as c.1824T>G), located in coding exon 1 of the SAMD9L gene, results from a T to G substitution at nucleotide position 1824. The serine at codon 608 is replaced by arginine, an amino acid with dissimilar properties. This amino acid position is conserved. In addition, this alteration is predicted to be tolerated by in silico analysis. Based on the available evidence, the clinical significance of this variant remains unclear.

NM_152703.5(SAMD9L):c.1824T>G (p.Ser608Arg)

Gene: SAMD9L (sterile alpha motif domain containing 9 like; minus strand). Cytogenetic location: 7q21.2.
Variant type: single nucleotide variant.
Coding change: c.1824T>G on transcript NM_152703.5 (MANE Select); coding-DNA position 1824, T replaced by G.
Protein change: p.Ser608Arg; replaces serine 608 with arginine.
Molecular consequence: missense variant.
Genome position (GRCh38, 1-based): chr7:93,134,148, A>C on the plus strand (T>G on the coding strand, the complement: SAMD9L is on the minus strand). VCF-style: chr7-93134148-A-C. GRCh37 (hg19) VCF-style: chr7-92763461-A-C.
Other names: c.1824T>G, p.Ser608Arg (NM_001303496.3, NM_001303497.3, NM_001303498.3 and 5 more transcripts); short protein forms S608R.
Identifiers: ClinVar variation 3949917 (VCV003949917.1).
Genomic context (GRCh38, chr7:93,134,148, plus strand): 5'-AGTCACCGATTTTAGTTTAAGGATAGTGCTGTTTACCAGTTCTATATTTAAAGTGGAAAT[A>C]CTGTGGTTTGTTAGTTCATCTTCCATCTTCATTCTTGTTTGTAGTAGATCTTTCCATCGT-3'
Protein context (NP_689916.2, residues 598-618): MKMEDELTNH[Ser608Arg]ISTLNIELVN